The following is an entry in ClinVar:

ClinVar aggregate classification (germline): Likely benign (1 of 4 stars; one submission).

Submission:

CeGaT Center for Human Genetics Tuebingen
Classification: Likely benign. Last evaluated: 2024-01-01. Review status: criteria provided, single submitter. Criteria: CeGaT Center For Human Genetics Tuebingen Variant Classification Criteria Version 2. Collection method: clinical testing. Allele origin: germline. Affected: yes. Observed: 1 variant allele.
Comment: KDM6B: BS1

NM_001348716.2(KDM6B):c.765_766insTTACCA (p.Pro255_Pro256insLeuPro)

Gene: KDM6B (lysine demethylase 6B; plus strand). Cytogenetic location: 17p13.1.
Variant type: Insertion.
Coding change: c.765_766insTTACCA on transcript NM_001348716.2 (MANE Select); coding-DNA positions 765 to 766, TTACCA inserted.
Protein change: p.Pro255_Pro256insLeuPro.
Molecular consequence: inframe insertion.
Genome position: GRCh38 VCF-style: chr17-7846868-C-CACCATT. GRCh37 (hg19) VCF-style: chr17-7750186-C-CACCATT.
Other names: c.765_766insTTACCA, p.Pro255_Pro256insLeuPro (NM_001080424.2).
Identifiers: ClinVar variation 3026460 (VCV003026460.22), dbSNP rs772186060, ClinGen allele CA624866420.